The following is an entry in ClinVar:

ClinVar aggregate classification (germline): Uncertain significance (1 of 4 stars; one submission).

Conditions:
Hereditary breast ovarian cancer syndrome. Also called: Hereditary breast and ovarian cancer syndrome; BRCA1- and BRCA2-Associated Hereditary Breast and Ovarian Cancer; Hereditary breast and ovarian cancer; Hereditary breast and/or ovarian cancer syndrome; Hereditary breast and ovarian cancer syndrome (HBOC); Breast and ovarian cancer. Identifiers: Orphanet 145, MedGen C0677776, MeSH D061325, MONDO:0003582. Disease mechanism: loss of function.

Allele frequency attached by ClinVar (database versions not stated): gnomAD exomes below 0.00001; ExAC 0.00001.
gnomAD v4.1: 1 of 1,597,526 alleles (0.000063%); highest among the groups gnomAD compares: Non-Finnish European, 0.000086%; no homozygotes.

Submission:

Labcorp Genetics (formerly Invitae), Labcorp
Classification: Uncertain significance for Hereditary breast ovarian cancer syndrome. Last evaluated: 2022-03-03. Review status: criteria provided, single submitter. Criteria: Invitae Variant Classification Sherloc (09022015). Collection method: clinical testing. Allele origin: germline.
Comment: In summary, the available evidence is currently insufficient to determine the role of this variant in disease. Therefore, it has been classified as a Variant of Uncertain Significance. Advanced modeling of protein sequence and biophysical properties (such as structural, functional, and spatial information, amino acid conservation, physicochemical variation, residue mobility, and thermodynamic stability) performed at Invitae indicates that this missense variant is not expected to disrupt BRCA2 protein function. This variant has not been reported in the literature in individuals affected with BRCA2-related conditions. This variant is present in population databases (rs761789188, gnomAD 0.0009%). This sequence change replaces histidine, which is basic and polar, with arginine, which is basic and polar, at codon 223 of the BRCA2 protein (p.His223Arg).

NM_000059.4(BRCA2):c.668A>G (p.His223Arg)

Gene: BRCA2 (BRCA2 DNA repair associated; plus strand). Cytogenetic location: 13q13.1.
Variant type: single nucleotide variant.
Coding change: c.668A>G on transcript NM_000059.4 (MANE Select); coding-DNA position 668, A replaced by G.
Protein change: p.His223Arg; replaces histidine 223 with arginine.
Molecular consequence: missense variant.
Genome position (GRCh38, 1-based): chr13:32,329,479, A>G. VCF-style: chr13-32329479-A-G. GRCh37 (hg19) VCF-style: chr13-32903616-A-G.
Other names: c.668A>G, p.His223Arg (NM_001406719.1, NM_001406720.1, NM_001406721.1); c.299A>G, p.His100Arg (NM_001406722.1); short protein forms H100R, H223R.
Identifiers: ClinVar variation 2105908 (VCV002105908.4), dbSNP rs761789188, ClinGen allele CA6940421.